The following is an entry in ClinVar:

NM_000047.3(ARSL):c.23+343G>A

Gene: ARSL (arylsulfatase L; minus strand). Cytogenetic location: Xp22.33.
Variant type: single nucleotide variant.
Coding change: c.23+343G>A on transcript NM_000047.3 (MANE Select); 343 bases into the intron after coding-DNA position 23, G replaced by A.
Molecular consequence: intron variant.
Genome position (GRCh38, 1-based): chrX:2,960,035, C>T on the plus strand (G>A on the coding strand, the complement: ARSL is on the minus strand). VCF-style: chrX-2960035-C-T. GRCh37 (hg19) VCF-style: chrX-2878076-C-T.
Other names: c.-188-147G>A (NM_001282628.2, NM_001369080.1); c.23+343G>A (NM_001282631.2); c.50+343G>A (NM_001369079.1).
Identifiers: ClinVar variation 673895 (VCV000673895.1), dbSNP rs747849895, ClinGen allele CA325986452.

ClinVar aggregate classification (germline): Likely benign (1 of 4 stars; one submission).

Allele frequency attached by ClinVar (database versions not stated): 1000 Genomes Project 0.01007; 1000 Genomes Project 30x 0.01103; TOPMed 0.01401; gnomAD 0.01637 and 0.01657.
gnomAD v4.1: 3,559 of 201,292 alleles (1.8%); highest among the groups gnomAD compares: Middle Eastern, 3.3%; 39 homozygotes.

Submission:

GeneDx
Classification: Likely benign. Last evaluated: 2018-06-17. Review status: criteria provided, single submitter. Criteria: GeneDx Variant Classification (06012015). Collection method: clinical testing. Allele origin: germline. Affected: yes.
Comment: This variant is considered likely benign or benign based on one or more of the following criteria: it is a conservative change, it occurs at a poorly conserved position in the protein, it is predicted to be benign by multiple in silico algorithms, and/or has population frequency not consistent with disease.